The following is an entry in ClinVar:

ClinVar aggregate classification (germline): Uncertain significance (1 of 4 stars; one submission).

Conditions:
Cone-rod dystrophy 2 (CORD2). Also called: CONE-ROD RETINAL DYSTROPHY; Cone-rod retinal dystrophy 2. Identifiers: Orphanet 1872, MedGen C3489532, MONDO:0007362, OMIM 120970.
Leber congenital amaurosis 7 (LCA7). Identifiers: Orphanet 65, MedGen C3151192, MONDO:0013449, OMIM 613829.

Submission:

Labcorp Genetics (formerly Invitae), Labcorp
Classification: Uncertain significance for Cone-rod dystrophy 2; Leber congenital amaurosis 7. Last evaluated: 2022-03-02. Review status: criteria provided, single submitter. Criteria: Invitae Variant Classification Sherloc (09022015). Collection method: clinical testing. Allele origin: germline.
Comment: In summary, the available evidence is currently insufficient to determine the role of this variant in disease. Therefore, it has been classified as a Variant of Uncertain Significance. Algorithms developed to predict the effect of sequence changes on RNA splicing suggest that this variant may create or strengthen a splice site. Algorithms developed to predict the effect of missense changes on protein structure and function (SIFT, PolyPhen-2, Align-GVGD) all suggest that this variant is likely to be disruptive. This variant has not been reported in the literature in individuals affected with CRX-related conditions. This variant is not present in population databases (gnomAD no frequency). This sequence change replaces methionine, which is neutral and non-polar, with lysine, which is basic and polar, at codon 193 of the CRX protein (p.Met193Lys).

NM_000554.6(CRX):c.578T>A (p.Met193Lys)

Gene: CRX (cone-rod homeobox; plus strand). Cytogenetic location: 19q13.33.
Variant type: single nucleotide variant.
Coding change: c.578T>A on transcript NM_000554.6 (MANE Select); coding-DNA position 578, T replaced by A.
Protein change: p.Met193Lys; replaces methionine 193 with lysine.
Molecular consequence: missense variant.
Genome position (GRCh38, 1-based): chr19:47,839,645, T>A. VCF-style: chr19-47839645-T-A. GRCh37 (hg19) VCF-style: chr19-48342902-T-A.
Other names: short protein forms M193K.
Identifiers: ClinVar variation 1352289 (VCV001352289.6), dbSNP rs771206912, ClinGen allele CA406631131.